The following is an entry in ClinVar:

NM_001130438.3(SPTAN1):c.2421C>T (p.Ala807=)

Gene: SPTAN1 (spectrin alpha, non-erythrocytic 1; plus strand). Cytogenetic location: 9q34.11.
Variant type: single nucleotide variant.
Coding change: c.2421C>T on transcript NM_001130438.3 (MANE Select); coding-DNA position 2421, C replaced by T.
Protein change: p.Ala807=; no amino-acid change (alanine 807 retained).
Molecular consequence: synonymous variant.
Genome position (GRCh38, 1-based): chr9:128,584,509, C>T. VCF-style: chr9-128584509-C-T. GRCh37 (hg19) VCF-style: chr9-131346788-C-T.
Other names: c.2421C>T, p.Ala807= (NM_001195532.2, NM_001363759.2, NM_001363765.2 and 5 more transcripts); c.2457C>T, p.Ala819= (NM_001375312.2, NM_001375318.1).
Identifiers: ClinVar variation 1257305 (VCV001257305.31), dbSNP rs1329573763, ClinGen allele CA467484572.

ClinVar aggregate classification (germline): Likely benign. Review status: criteria provided, multiple submitters, no conflicts (2 of 4 stars). 4 submissions from 4 submitters: Likely benign (3). 1 of the submissions does not count toward it. Last evaluated 2024-05-01.

Conditions:
Early-infantile DEE. Also called: Early infantile epileptic encephalopathy with suppression bursts; Early infantile epileptic encephalopathy; Ohtahara syndrome. Identifiers: Orphanet 1934, MedGen C0393706, MONDO:0800491.
SPTAN1-related disorder. Also called: SPTAN1-related disorders; SPTAN1-related condition.

Allele frequency attached by ClinVar (database versions not stated): gnomAD exomes 0.00001; TOPMed 0.00002.
gnomAD v4.1: 11 of 1,614,108 alleles (0.00068%); highest among the groups gnomAD compares: Middle Eastern, 0.017%; no homozygotes.

Submissions (4):

CeGaT Center for Human Genetics Tuebingen
Classification: Likely benign. Last evaluated: 2024-05-01. Review status: criteria provided, single submitter. Criteria: CeGaT Center For Human Genetics Tuebingen Variant Classification Criteria Version 2. Collection method: clinical testing. Allele origin: germline. Affected: yes. Observed: 1 variant allele.
Comment: SPTAN1: BP4, BP7

Labcorp Genetics (formerly Invitae), Labcorp
Classification: Likely benign for Early-infantile DEE. Last evaluated: 2022-10-04. Review status: criteria provided, single submitter. Criteria: Invitae Variant Classification Sherloc (09022015). Collection method: clinical testing. Allele origin: germline.

GeneDx
Classification: Likely benign. Last evaluated: 2018-12-12. Review status: criteria provided, single submitter. Criteria: GeneDx Variant Classification Process June 2021. Collection method: clinical testing. Allele origin: germline. Affected: yes.

PreventionGenetics, part of Exact Sciences
Classification: Likely benign for SPTAN1-related condition. Last evaluated: 2024-01-10. Review status: no assertion criteria provided. Collection method: clinical testing. Allele origin: germline. Not counted in ClinVar's aggregate classification.
Comment: This variant is classified as likely benign based on ACMG/AMP sequence variant interpretation guidelines (Richards et al. 2015 PMID: 25741868, with internal and published modifications).